The following is an entry in ClinVar:

ClinVar aggregate classification (germline): Uncertain significance (1 of 4 stars; one submission).

gnomAD v4.1: 1 of 1,464,578 alleles (0.000068%); highest among the groups gnomAD compares: Non-Finnish European, 0.00009%; no homozygotes.

Submission:

Labcorp Genetics (formerly Invitae), Labcorp
Classification: Uncertain significance. Last evaluated: 2025-12-23. Review status: criteria provided, single submitter. Criteria: Invitae Variant Classification Sherloc (09022015). Collection method: clinical testing. Allele origin: germline.
Comment: This sequence change replaces alanine, which is neutral and non-polar, with valine, which is neutral and non-polar, at codon 1011 of the DIAPH3 protein (p.Ala1011Val). This variant is not present in population databases (gnomAD no frequency). This variant has not been reported in the literature in individuals affected with DIAPH3-related conditions. An algorithm developed to predict the effect of missense changes on protein structure and function (PolyPhen-2) suggests that this variant is likely to be disruptive. In summary, the available evidence is currently insufficient to determine the role of this variant in disease. Therefore, it has been classified as a Variant of Uncertain Significance.

NM_001042517.2(DIAPH3):c.3032C>T (p.Ala1011Val)

Gene: DIAPH3 (diaphanous related formin 3; minus strand). Cytogenetic location: 13q21.2.
Variant type: single nucleotide variant.
Coding change: c.3032C>T on transcript NM_001042517.2 (MANE Select); coding-DNA position 3032, C replaced by T.
Protein change: p.Ala1011Val; replaces alanine 1011 with valine.
Molecular consequence: missense variant.
Genome position (GRCh38, 1-based): chr13:59,810,919, G>A on the plus strand (C>T on the coding strand, the complement: DIAPH3 is on the minus strand). VCF-style: chr13-59810919-G-A. GRCh37 (hg19) VCF-style: chr13-60385053-G-A.
Other names: c.2999C>T, p.Ala1000Val (NM_001258366.2); c.2894C>T, p.Ala965Val (NM_001258367.2); c.2822C>T, p.Ala941Val (NM_001258368.2); c.3032C>T, p.Ala1011Val (NM_001258369.2); c.2243C>T, p.Ala748Val (NM_030932.4); short protein forms A1011V, A941V, A1000V, A748V, A965V.
Identifiers: ClinVar variation 4728066 (VCV004728066.1).
Genomic context (GRCh38, chr13:59,810,919, plus strand): 5'-GCTATTCTGACACGTTTTTCTTTTTCCTCTGCTTCTCTTTTTTTGATATTCTCCTTTATT[G>A]CTTGCTAAAAAAATTTTGAAAAATGATCAATTTTAACCAGTGATTCATCCCGCAAAATGG-3'
Protein context (NP_001035982.1, residues 1001-1021): LNNFRTTFMQ[Ala1011Val]IKENIKKREA